The following is an entry in ClinVar:

ClinVar aggregate classification (germline): Pathogenic (1 of 4 stars; one submission).

Submission:

Labcorp Genetics (formerly Invitae), Labcorp
Classification: Pathogenic. Last evaluated: 2023-10-14. Review status: criteria provided, single submitter. Criteria: Invitae Variant Classification Sherloc (09022015). Collection method: clinical testing. Allele origin: germline.
Comment: This variant is a gross deletion of the genomic region encompassing exon(s) 3-6 of the SLC27A4 gene. This deletion is out-of-frame, and is expected to create a premature termination codon and result in an absent or disrupted protein product. Loss-of-function variants in SLC27A4 are known to be pathogenic (PMID: 19631310, 21450060). This variant has not been reported in the literature in individuals affected with SLC27A4-related conditions. For these reasons, this variant has been classified as Pathogenic.

Literature cited by the submitters: PubMed 19631310; PubMed 21450060.

NC_000009.11:g.(?_131107414)_(131112874_?)del

Gene: SLC27A4 (solute carrier family 27 member 4; plus strand). Cytogenetic location: 9q34.11.
Variant type: Deletion.
Identifiers: ClinVar variation 2425294 (VCV002425294.4).